The following is an entry in ClinVar:

ClinVar aggregate classification (germline): Pathogenic. Review status: criteria provided, multiple submitters, no conflicts (2 of 4 stars). 14 submissions from 14 submitters: Pathogenic (11). 3 of the submissions do not count toward it. Last evaluated 2026-04-30.

Conditions:
Rare genetic deafness. Identifiers: Orphanet 96210, MedGen C5680250.
Usher syndrome type 3A (USH3A). Also called: USHER SYNDROME, TYPE IIIA. Identifiers: MedGen C5779850, MONDO:0010170, OMIM 276902.
Retinitis pigmentosa 61 (RP61). Identifiers: Orphanet 791, MedGen C3280041, MONDO:0013610, OMIM 614180.
CLRN1-related disorder. Also called: CLRN1-related condition.
Retinitis pigmentosa (RP). Identifiers: Orphanet 791, MedGen C0035334, MeSH D012174, MONDO:0019200, OMIM 268000. Inheritance: Autosomal dominant, autosomal recessive and X linked inheritance.
Usher syndrome type 3. Also called: Usher Syndrome, Type III. Identifiers: Orphanet 231183, MedGen C1568248, MONDO:0016485.

Allele frequency attached by ClinVar (database versions not stated): gnomAD 0.00001; TOPMed 0.00001.

Submissions (14):

Laboratory of Molecular, Cellular and Translation Genetics in Otolaryngology/ Lim32-hcfmusp, University of Sao Paulo School of Medicine Clinics Hospital
Classification: Pathogenic for Usher syndrome type 3A. Last evaluated: 2026-04-30. Review status: criteria provided, single submitter. Criteria: ACMG Guidelines, 2015. Collection method: research. Allele origin: germline. Affected: yes.
Comment: NM_001195794.1:c.189C>A:p.(Tyr63*). This variant has been classified as pathogenic. It is rare in population databases (PM2_supporting) and represents a null (loss-of-function) variant in a gene in which loss of function is an established disease mechanism (PVS1). It has been reported in trans with other pathogenic variants associated with Usher syndrome (PM3). These findings support the causative role of this variant in Usher syndrome as described in PMID: 42233699.

PreventionGenetics, part of Exact Sciences
Classification: Pathogenic for CLRN1-related condition. Last evaluated: 2026-03-02. Review status: criteria provided, single submitter. Criteria: ACMG Guidelines, 2015. Collection method: clinical testing. Allele origin: germline.
Comment: The CLRN1 c.189C>A variant is predicted to result in premature protein termination (p.Tyr63*). This variant has been reported to be causative for autosomal recessive Usher syndrome or retinitis pigmentosa (Adato et al. 2002. PubMed ID: 12080385; Melo et al. 2014. PubMed ID: 24596593; Carss et al. 2016. PubMed ID: 28041643). This variant is reported in 0.0056% of alleles in individuals of Latino descent in gnomAD. Nonsense variants in CLRN1 are expected to be pathogenic. Given the evidence, we interpret c.189C>A (p.Tyr63*) as pathogenic.

Labcorp Genetics (formerly Invitae), Labcorp
Classification: Pathogenic. Last evaluated: 2025-12-28. Review status: criteria provided, single submitter. Criteria: Invitae Variant Classification Sherloc (09022015). Collection method: clinical testing. Allele origin: germline.
Comment: This sequence change creates a premature translational stop signal (p.Tyr63*) in the CLRN1 gene. It is expected to result in an absent or disrupted protein product. Loss-of-function variants in CLRN1 are known to be pathogenic (PMID: 11524702, 24498627). This variant is present in population databases (rs111033267, gnomAD 0.008%). This premature translational stop signal has been observed in individuals with Usher syndrome (PMID: 12080385, 23304067). ClinVar contains an entry for this variant (Variation ID: 4397). Algorithms developed to predict the effect of sequence changes on RNA splicing suggest that this variant may disrupt the consensus splice site. For these reasons, this variant has been classified as Pathogenic.

Natera, Inc.
Classification: Pathogenic for Usher syndrome type 3. Last evaluated: 2025-11-17. Review status: criteria provided, single submitter. Criteria: Natera Variant Classification Schema (03/2026). Collection method: clinical testing. Allele origin: germline.
Comment: The c.189C>A variant in CLRN1 is a nonsense variant predicted to introduce a stop codon at amino acid 63. This variant is expected to result in nonsense mediated decay, truncation, or a dysfunctional protein product. This variant is rare in the general population with a frequency below the threshold expected for the associated phenotype(s). This variant has been observed in one or more individuals affected with the associated recessive disease, as either homozygous or compound heterozygous with a second variant (PMID: 23304067). Given the available evidence, this variant is classified as Pathogenic.

Baylor Genetics
Classification: Pathogenic for Retinitis pigmentosa 61. Last evaluated: 2024-03-22. Review status: criteria provided, single submitter. Criteria: ACMG Guidelines, 2015. Collection method: clinical testing. Allele origin: unknown.

Fulgent Genetics
Classification: Pathogenic for Usher syndrome type 3A; Retinitis pigmentosa 61. Last evaluated: 2024-03-02. Review status: criteria provided, single submitter. Criteria: ACMG Guidelines, 2015. Collection method: clinical testing. Allele origin: germline.

Blueprint Genetics
Classification: Pathogenic for CLRN1-related disorders. Last evaluated: 2022-11-17. Review status: criteria provided, single submitter. Criteria: ACMG Guidelines, 2015. Collection method: clinical testing. Allele origin: germline. Affected: yes. Observed: 5 variant alleles.

3billion
Classification: Pathogenic for Usher syndrome type 3A. Last evaluated: 2022-01-03. Review status: criteria provided, single submitter. Criteria: ACMG Guidelines, 2015. Collection method: clinical testing. Allele origin: germline. Affected: yes. Observed: 1 homozygote.
Comment: Stop-gained (nonsense): predicted to result in a loss or disruption of normal protein function through nonsense-mediated decay (NMD) or protein truncation. Multiple pathogenic variants are reported downstream of the variant (PVS1_VS).The variant has been reported at least twice as pathogenic/likely pathogenic with clinical assertions and evidence for the classification (ClinVar ID: VCV000004397, PMID:12080385). It is observed at an extremely low frequency in the gnomAD v2.1.1 dataset (total allele frequency: 0.000014, PM2_M). Therefore, this variant is classified as pathogenic according to the recommendation of ACMG/AMP guideline.

Ocular Genomics Institute, Massachusetts Eye and Ear
Classification: Pathogenic for Usher syndrome type 3A. Last evaluated: 2021-04-08. Review status: criteria provided, single submitter. Criteria: ACMG Guidelines, 2015. Collection method: research. Allele origin: germline. Affected: yes.
Comment: Through a review of available evidence we were able to apply the following criteria: PVS1, PM2, PM3, PP1. Based on this evidence we have classified this variant as Pathogenic.

Women's Health and Genetics/Laboratory Corporation of America, LabCorp
Classification: Pathogenic for Usher syndrome, type 3A. Last evaluated: 2018-09-07. Review status: criteria provided, single submitter. Criteria: LabCorp Variant Classification Summary - May 2015. Collection method: clinical testing. Allele origin: germline.
Comment: Variant summary: CLRN1 c.189C>A (p.Tyr63X) results in a premature termination codon, predicted to cause a truncation of the encoded protein or absence of the protein due to nonsense mediated decay, which are commonly known mechanisms for disease. The variant allele was found at a frequency of 1.8e-05 in 277198 control chromosomes. c.189C>A has been reported in the literature as a homozygous and compound heterozygous allele in multiple individuals affected with Usher Syndrome Type 3 (Adato_2002; Garcia-Garcia_2012). These data indicate that the variant is very likely to be associated with disease. To our knowledge, no experimental evidence demonstrating an impact on protein function has been reported. Two clinical diagnostic laboratories have submitted clinical-significance assessments for this variant to ClinVar after 2014 and both classified the variant as pathogenic. Based on the evidence outlined above, the variant was classified as pathogenic.

Laboratory for Molecular Medicine, Mass General Brigham Personalized Medicine
Classification: Pathogenic for Rare genetic deafness. Last evaluated: 2012-12-24. Review status: criteria provided, single submitter. Criteria: LMM Criteria. Collection method: clinical testing. Allele origin: germline. Observed: 2 variant alleles.
Comment: The Tyr63X variant in CLRN1 has been reported in a homozygous state in three sib lings with Usher syndrome from one family (Adato 2002, Aller 2004). This nonsens e variant leads to a premature termination codon at position 63, which is predic ted to lead to a truncated or absent protein. In summary, this variant meets our criteria to be classified as pathogenic.

Counsyl
Classification: Pathogenic for Usher syndrome type 3A. Last evaluated: 2016-04-12. Review status: no assertion criteria provided. Collection method: clinical testing. Allele origin: unknown. Not counted in ClinVar's aggregate classification.

NIHR Bioresource Rare Diseases, University of Cambridge
Classification: Pathogenic for Retinitis pigmentosa. Last evaluated: 2015-01-01. Review status: no assertion criteria provided. Collection method: research. Allele origin: unknown. Affected: yes. Observed: 1 variant allele. Not counted in ClinVar's aggregate classification.

OMIM
Classification: Pathogenic for USHER SYNDROME, TYPE IIIA. Last evaluated: 2004-12-01. Review status: no assertion criteria provided. Collection method: literature only. Allele origin: germline. Not counted in ClinVar's aggregate classification.

Literature cited by the submitters: PubMed 12080385 (cited by 9 submitters); PubMed 24596593 (cited by 3 submitters); PubMed 15521980 (cited by 4 submitters); PubMed 42233699 (cited by Laboratory of Molecular, Cellular and Translation Genetics in Otolaryngology/ Lim32-hcfmusp, University of Sao Paulo School of Medicine Clinics Hospital); PubMed 11524702 (cited by Labcorp Genetics (formerly Invitae), Labcorp); PubMed 24498627 (cited by Labcorp Genetics (formerly Invitae), Labcorp); PubMed 23304067 (cited by 5 submitters); PubMed 28041643 (cited by Ocular Genomics Institute, Massachusetts Eye and Ear and NIHR Bioresource Rare Diseases, University of Cambridge).

NM_174878.3(CLRN1):c.189C>A (p.Tyr63Ter)

Gene: CLRN1 (clarin 1; minus strand). Cytogenetic location: 3q25.1.
Variant type: single nucleotide variant.
Coding change: c.189C>A on transcript NM_174878.3 (MANE Select); coding-DNA position 189, C replaced by A.
Protein change: p.Tyr63Ter; replaces tyrosine 63 with a stop codon.
Molecular consequence: nonsense. On other transcripts: non-coding transcript variant (1).
Genome position (GRCh38, 1-based): chr3:150,972,520, G>T on the plus strand (C>A on the coding strand, the complement: CLRN1 is on the minus strand). VCF-style: chr3-150972520-G-T. GRCh37 (hg19) VCF-style: chr3-150690307-G-T.
Other names: c.189C>A, p.Tyr63Ter (NM_001195794.1, NM_001256819.2); short protein forms Y63*.
Identifiers: ClinVar variation 4397 (VCV000004397.28), dbSNP rs111033267, ClinGen allele CA116834.